The following is an entry in ClinVar:

NM_001371986.1(UNC80):c.7806-17AT[8]

Gene: UNC80 (unc-80 subunit of NALCN channel complex; plus strand). Cytogenetic location: 2q34.
Variant type: Microsatellite.
Coding change: c.7806-17AT[8] on transcript NM_001371986.1 (MANE Select); eight copies in a row of the 2-base unit AT starting at c.7806-17; the reference has six copies in a row; two copies, 4 bases duplicated.
Molecular consequence: intron variant.
Genome position (GRCh38, 1-based): chr2:209,967,428-209,967,431, ATAT duplicated; duplicating any 4 consecutive bases within chr2:209,967,420-209,967,431 gives the same sequence; the position shown is the placement nearest the transcript's 3' end. VCF-style (leftmost placement, unchanged base first): chr2-209967419-C-CATAT. GRCh37 (hg19) VCF-style: chr2-210832143-C-CATAT.
Other names: c.7608-17AT[8] (NM_032504.2); c.7593-17AT[8] (NM_182587.4); c.7608-9_7608-6dupATAT (NM_032504.1).
Identifiers: ClinVar variation 1598640 (VCV001598640.11), dbSNP rs752949976, ClinGen allele CA2083503.

ClinVar aggregate classification (germline): Benign/Likely benign. Review status: criteria provided, multiple submitters, no conflicts (2 of 4 stars). 3 submissions from 3 submitters: Benign (1); Likely benign (1). 1 of the submissions does not count toward it. Last evaluated 2026-01-26.

Conditions:
UNC80-related disorder. Also called: UNC80-related condition.

Submissions (3):

Labcorp Genetics (formerly Invitae), Labcorp
Classification: Benign. Last evaluated: 2026-01-26. Review status: criteria provided, single submitter. Criteria: Invitae Variant Classification Sherloc (09022015). Collection method: clinical testing. Allele origin: germline.

Blueprint Genetics
Classification: Likely benign. Last evaluated: 2024-06-28. Review status: criteria provided, single submitter. Criteria: ACMG Guidelines, 2015. Collection method: clinical testing. Allele origin: germline.

PreventionGenetics, part of Exact Sciences
Classification: Likely benign for UNC80-related condition. Last evaluated: 2021-03-04. Review status: no assertion criteria provided. Collection method: clinical testing. Allele origin: germline. Not counted in ClinVar's aggregate classification.
Comment: This variant is classified as likely benign based on ACMG/AMP sequence variant interpretation guidelines (Richards et al. 2015 PMID: 25741868, with internal and published modifications).